The following is an entry in ClinVar:

NM_024577.4(SH3TC2):c.1096A>G (p.Thr366Ala)

Gene: SH3TC2 (SH3 domain and tetratricopeptide repeats 2; minus strand). Cytogenetic location: 5q32.
Variant type: single nucleotide variant.
Coding change: c.1096A>G on transcript NM_024577.4 (MANE Select); coding-DNA position 1096, A replaced by G.
Protein change: p.Thr366Ala; replaces threonine 366 with alanine.
Molecular consequence: missense variant.
Genome position (GRCh38, 1-based): chr5:149,031,593, T>C on the plus strand (A>G on the coding strand, the complement: SH3TC2 is on the minus strand). VCF-style: chr5-149031593-T-C. GRCh37 (hg19) VCF-style: chr5-148411156-T-C.
Other names: short protein forms T366A.
Identifiers: ClinVar variation 917272 (VCV000917272.6), dbSNP rs772832716, ClinGen allele CA3499294.
Genomic context (GRCh38, chr5:149,031,593, plus strand): 5'-TGTCTGAGGACCAACACTCACTGAGCCGGTAGACAGATGTGATGTCAGTGCGAGCAAGAG[T>C]GTGGAGGAAGCTGGAACACTCAGTCTGCTTATCACTTCCCAGGGCCAACAGGGAGCATCT-3'
Protein context (NP_078853.2, residues 356-376): KQTECSSFLH[Thr366Ala]LARTDITSVY

ClinVar aggregate classification (germline): Uncertain significance. Review status: criteria provided, multiple submitters, no conflicts (2 of 4 stars). 3 submissions from 3 submitters: Uncertain significance (3). Last evaluated 2023-12-18.

Conditions:
Charcot-Marie-Tooth disease. Also called: Charcot-Marie-Tooth Neuropathy; Charcot-Marie-Tooth Hereditary Neuropathy. Identifiers: Orphanet 166, MedGen C0007959, MONDO:0015626.
Charcot-Marie-Tooth disease type 4. Also called: Charcot-Marie-Tooth disease, type IV; Charcot-Marie-Tooth, Type 4. Identifiers: Orphanet 64749, MedGen C4082197, MONDO:0018995.

Allele frequency attached by ClinVar (database versions not stated): gnomAD exomes 0.00001 and 0.00003; ExAC 0.00002; gnomAD 0.00002; TOPMed 0.00005.
gnomAD v4.1: 25 of 1,613,560 alleles (0.0015%); highest among the groups gnomAD compares: Admixed American, 0.015%; no homozygotes.

Submissions (3):

Labcorp Genetics (formerly Invitae), Labcorp
Classification: Uncertain significance for Charcot-Marie-Tooth disease type 4. Last evaluated: 2023-12-18. Review status: criteria provided, single submitter. Criteria: Invitae Variant Classification Sherloc (09022015). Collection method: clinical testing. Allele origin: germline.
Comment: This sequence change replaces threonine, which is neutral and polar, with alanine, which is neutral and non-polar, at codon 366 of the SH3TC2 protein (p.Thr366Ala). This variant is present in population databases (rs772832716, gnomAD 0.009%). This missense change has been observed in individual(s) with clinical suspicion of Charcot-Marie-Tooth disease (PMID: 32376792). ClinVar contains an entry for this variant (Variation ID: 917272). Advanced modeling of protein sequence and biophysical properties (such as structural, functional, and spatial information, amino acid conservation, physicochemical variation, residue mobility, and thermodynamic stability) performed at Invitae indicates that this missense variant is not expected to disrupt SH3TC2 protein function with a negative predictive value of 95%. In summary, the available evidence is currently insufficient to determine the role of this variant in disease. Therefore, it has been classified as a Variant of Uncertain Significance.

Blueprint Genetics
Classification: Uncertain significance. Last evaluated: 2022-12-22. Review status: criteria provided, single submitter. Criteria: ACMG Guidelines, 2015. Collection method: clinical testing. Allele origin: germline.

Molecular Genetics Laboratory, London Health Sciences Centre
Classification: Uncertain significance for Charcot-Marie-Tooth disease. Review status: criteria provided, single submitter. Criteria: ACMG Guidelines, 2015. Collection method: clinical testing. Allele origin: germline. Affected: yes.

Literature cited by the submitters: PubMed 32376792 (cited by Labcorp Genetics (formerly Invitae), Labcorp).